The following is an entry in ClinVar:

ClinVar aggregate classification (germline): Uncertain significance (1 of 4 stars; one submission).

Allele frequency attached by ClinVar (database versions not stated): TOPMed below 0.00001; gnomAD 0.00001; gnomAD exomes 0.00001.
gnomAD v4.1: 19 of 1,550,310 alleles (0.0012%); highest among the groups gnomAD compares: Admixed American, 0.002%; no homozygotes.

Submission:

Labcorp Genetics (formerly Invitae), Labcorp
Classification: Uncertain significance. Last evaluated: 2022-06-16. Review status: criteria provided, single submitter. Criteria: Invitae Variant Classification Sherloc (09022015). Collection method: clinical testing. Allele origin: germline.
Comment: This sequence change replaces arginine, which is basic and polar, with glutamine, which is neutral and polar, at codon 2059 of the UNC80 protein (p.Arg2059Gln). This variant is present in population databases (no rsID available, gnomAD 0.005%). This variant has not been reported in the literature in individuals affected with UNC80-related conditions. Algorithms developed to predict the effect of missense changes on protein structure and function are either unavailable or do not agree on the potential impact of this missense change (SIFT: "Not Available"; PolyPhen-2: "Probably Damaging"; Align-GVGD: "Not Available"). In summary, the available evidence is currently insufficient to determine the role of this variant in disease. Therefore, it has been classified as a Variant of Uncertain Significance.

NM_001371986.1(UNC80):c.6374G>A (p.Arg2125Gln)

Gene: UNC80 (unc-80 homolog, NALCN channel complex subunit; plus strand). Cytogenetic location: 2q34.
Variant type: single nucleotide variant.
Coding change: c.6374G>A on transcript NM_001371986.1 (MANE Select); coding-DNA position 6374, G replaced by A.
Protein change: p.Arg2125Gln; replaces arginine 2125 with glutamine.
Molecular consequence: missense variant.
Genome position (GRCh38, 1-based): chr2:209,937,539, G>A. VCF-style: chr2-209937539-G-A. GRCh37 (hg19) VCF-style: chr2-210802263-G-A.
Other names: c.6176G>A, p.Arg2059Gln (NM_032504.2); c.6161G>A, p.Arg2054Gln (NM_182587.4); short protein forms R2059Q, R2125Q, R2054Q.
Identifiers: ClinVar variation 1980548 (VCV001980548.1), dbSNP rs1282323756, ClinGen allele CA350771357.